The following is an entry in ClinVar:

NM_004006.3(DMD):c.5861A>G (p.Lys1954Arg)

Gene: DMD (dystrophin; minus strand). Cytogenetic location: Xp21.1.
Variant type: single nucleotide variant.
Coding change: c.5861A>G on transcript NM_004006.3 (MANE Select); coding-DNA position 5861, A replaced by G.
Protein change: p.Lys1954Arg; replaces lysine 1954 with arginine.
Molecular consequence: missense variant.
Genome position (GRCh38, 1-based): chrX:32,342,161, T>C on the plus strand (A>G on the coding strand, the complement: DMD is on the minus strand). VCF-style: chrX-32342161-T-C. GRCh37 (hg19) VCF-style: chrX-32360278-T-C.
Other names: c.5837A>G, p.Lys1946Arg (NM_000109.4); c.5849A>G, p.Lys1950Arg (NM_004009.3); c.5492A>G, p.Lys1831Arg (NM_004010.3); c.1838A>G, p.Lys613Arg (NM_004011.4); c.1829A>G, p.Lys610Arg (NM_004012.4); short protein forms K1946R, K1954R, K1950R, K613R, K1831R, K610R.
Identifiers: ClinVar variation 1503276 (VCV001503276.5), dbSNP rs2148812890, ClinGen allele CA412664900.

ClinVar aggregate classification (germline): Uncertain significance (1 of 4 stars; one submission).

Conditions:
Duchenne muscular dystrophy (DMD). Also called: Duchenne Muscular Dystrophy (DMD); MUSCULAR DYSTROPHY, PSEUDOHYPERTROPHIC PROGRESSIVE, DUCHENNE TYPE. Identifiers: Orphanet 98896, MedGen C0013264, MONDO:0010679, OMIM 310200.

gnomAD v4.1: 3 of 1,210,564 alleles (0.00025%); highest among the groups gnomAD compares: Non-Finnish European, 0.00034%; no homozygotes.

Submission:

Labcorp Genetics (formerly Invitae), Labcorp
Classification: Uncertain significance for Duchenne muscular dystrophy. Last evaluated: 2021-09-01. Review status: criteria provided, single submitter. Criteria: Invitae Variant Classification Sherloc (09022015). Collection method: clinical testing. Allele origin: germline.
Comment: This sequence change replaces lysine with arginine at codon 1954 of the DMD protein (p.Lys1954Arg). The lysine residue is highly conserved and there is a small physicochemical difference between lysine and arginine. This variant is not present in population databases (ExAC no frequency). This variant has not been reported in the literature in individuals affected with DMD-related conditions. Algorithms developed to predict the effect of missense changes on protein structure and function are either unavailable or do not agree on the potential impact of this missense change (SIFT: "Deleterious"; PolyPhen-2: "Benign"; Align-GVGD: "Class C0"). In summary, the available evidence is currently insufficient to determine the role of this variant in disease. Therefore, it has been classified as a Variant of Uncertain Significance.